The following is an entry in ClinVar:

ClinVar aggregate classification (germline): Uncertain significance (1 of 4 stars; one submission).

Conditions:
Bardet-Biedl syndrome (BBS). Identifiers: Orphanet 110, MedGen C0752166, MONDO:0015229.

Submission:

Labcorp Genetics (formerly Invitae), Labcorp
Classification: Uncertain significance for Bardet-Biedl syndrome. Last evaluated: 2022-06-04. Review status: criteria provided, single submitter. Criteria: Invitae Variant Classification Sherloc (09022015). Collection method: clinical testing. Allele origin: germline.
Comment: Algorithms developed to predict the effect of missense changes on protein structure and function are either unavailable or do not agree on the potential impact of this missense change (SIFT: "Deleterious"; PolyPhen-2: "Possibly Damaging"; Align-GVGD: "Class C15"). In summary, the available evidence is currently insufficient to determine the role of this variant in disease. Therefore, it has been classified as a Variant of Uncertain Significance. This variant has not been reported in the literature in individuals affected with TRIM32-related conditions. This variant is not present in population databases (gnomAD no frequency). This sequence change replaces proline, which is neutral and non-polar, with leucine, which is neutral and non-polar, at codon 288 of the TRIM32 protein (p.Pro288Leu).

NM_012210.4(TRIM32):c.863C>T (p.Pro288Leu)

Genes: ASTN2 (astrotactin 2; minus strand), TRIM32 (tripartite motif containing 32; plus strand). Cytogenetic location: 9q33.1.
Variant type: single nucleotide variant.
Coding change: c.863C>T on transcript NM_012210.4 (MANE Select); coding-DNA position 863, C replaced by T.
Protein change: p.Pro288Leu; replaces proline 288 with leucine.
Molecular consequence: missense variant. On other transcripts: intron variant (3).
Genome position (GRCh38, 1-based): chr9:116,698,605, C>T. VCF-style: chr9-116698605-C-T. GRCh37 (hg19) VCF-style: chr9-119460884-C-T.
Other names: c.863C>T, p.Pro288Leu (NM_001099679.2, NM_001379048.1, NM_001379049.1 and 1 more transcripts); c.2653+27166G>A (NM_014010.5); c.2794+27166G>A (NM_001365069.1); c.2806+27166G>A (NM_001365068.1); short protein forms P288L.
Identifiers: ClinVar variation 1910573 (VCV001910573.5), dbSNP rs367574371, ClinGen allele CA374650113.